The following is an entry in ClinVar:

ClinVar aggregate classification (germline): Uncertain significance (1 of 4 stars; one submission).

Conditions:
Autoimmune interstitial lung disease-arthritis syndrome. Also called: Autoinflammation and autoimmunity, systemic, with immune dysregulation. Identifiers: Orphanet 444092, MedGen C5975714, MONDO:0014629.

Submission:

Labcorp Genetics (formerly Invitae), Labcorp
Classification: Uncertain significance for Autoimmune interstitial lung disease-arthritis syndrome. Last evaluated: 2023-05-26. Review status: criteria provided, single submitter. Criteria: Invitae Variant Classification Sherloc (09022015). Collection method: clinical testing. Allele origin: germline.
Comment: In summary, the available evidence is currently insufficient to determine the role of this variant in disease. Therefore, it has been classified as a Variant of Uncertain Significance. An algorithm developed to predict the effect of missense changes on protein structure and function (PolyPhen-2) suggests that this variant is likely to be disruptive. This variant has not been reported in the literature in individuals affected with COPA-related conditions. This variant is not present in population databases (gnomAD no frequency). This sequence change replaces leucine, which is neutral and non-polar, with phenylalanine, which is neutral and non-polar, at codon 942 of the COPA protein (p.Leu942Phe).

NM_004371.4(COPA):c.2824C>T (p.Leu942Phe)

Gene: COPA (coat protein complex I subunit alpha; minus strand). Cytogenetic location: 1q23.2.
Variant type: single nucleotide variant.
Coding change: c.2824C>T on transcript NM_004371.4 (MANE Select); coding-DNA position 2824, C replaced by T.
Protein change: p.Leu942Phe; replaces leucine 942 with phenylalanine.
Molecular consequence: missense variant.
Genome position (GRCh38, 1-based): chr1:160,292,620, G>A on the plus strand (C>T on the coding strand, the complement: COPA is on the minus strand). VCF-style: chr1-160292620-G-A. GRCh37 (hg19) VCF-style: chr1-160262410-G-A.
Other names: c.2851C>T, p.Leu951Phe (NM_001098398.2); short protein forms L942F, L951F.
Identifiers: ClinVar variation 2728586 (VCV002728586.3), dbSNP rs2525350724, ClinGen allele CA343273464.
Genomic context (GRCh38, chr1:160,292,620, plus strand): 5'-TCTGTAGGAACAGTTGCTTGTAGGGGCCAAACTGGATTACCCCTACTTGGTCATGAAGGA[G>A]CTGGAACAGAAGGAAAGAAACAAGGATTTTGGCCCTGCTGCATAAAAAGCTACTTTTCCT-3'
Protein context (NP_004362.2, residues 932-952): LAGSFETAMR[Leu942Phe]LHDQVGVIQF